The following is an entry in ClinVar:

NM_176824.3(BBS7):c.2010C>T (p.Leu670=)

Gene: BBS7 (Bardet-Biedl syndrome 7; minus strand). Cytogenetic location: 4q27.
Variant type: single nucleotide variant.
Coding change: c.2010C>T on transcript NM_176824.3 (MANE Select); coding-DNA position 2010, C replaced by T.
Protein change: p.Leu670=; no amino-acid change (leucine 670 retained).
Molecular consequence: synonymous variant.
Genome position (GRCh38, 1-based): chr4:121,828,150, G>A on the plus strand (C>T on the coding strand, the complement: BBS7 is on the minus strand). VCF-style: chr4-121828150-G-A. GRCh37 (hg19) VCF-style: chr4-122749305-G-A.
Other names: c.2010C>T, p.Leu670= (NM_018190.4); c.2010C>T (NM_176824.2).
Identifiers: ClinVar variation 3010288 (VCV003010288.4), dbSNP rs760248041, ClinGen allele CA3064077.

ClinVar aggregate classification (germline): Likely benign. Review status: criteria provided, multiple submitters, no conflicts (2 of 4 stars). 2 submissions from 2 submitters: Likely benign (2). Last evaluated 2026-01-13.

Conditions:
Bardet-Biedl syndrome (BBS). Identifiers: Orphanet 110, MedGen C0752166, MONDO:0015229.
BBS7-related disorder. Also called: BBS7-related condition.

Allele frequency attached by ClinVar (database versions not stated): TOPMed below 0.00001; ExAC 0.00001.
gnomAD v4.1: 2 of 1,613,756 alleles (0.00012%); highest among the groups gnomAD compares: Non-Finnish European, 0.00017%; no homozygotes.

Submissions (2):

Labcorp Genetics (formerly Invitae), Labcorp
Classification: Likely benign for Bardet-Biedl syndrome. Last evaluated: 2026-01-13. Review status: criteria provided, single submitter. Criteria: Invitae Variant Classification Sherloc (09022015). Collection method: clinical testing. Allele origin: germline.

PreventionGenetics, part of Exact Sciences
Classification: Likely benign for BBS7-related condition. Last evaluated: 2025-08-24. Review status: criteria provided, single submitter. Criteria: ACMG Guidelines, 2015. Collection method: clinical testing. Allele origin: germline.
Comment: This variant is classified as likely benign based on ACMG/AMP sequence variant interpretation guidelines (Richards et al. 2015 PMID: 25741868, with internal and published modifications).